The following is an entry in ClinVar:

NM_001614.5(ACTG1):c.637A>C (p.Lys213Gln)

Gene: ACTG1 (actin gamma 1; minus strand). Cytogenetic location: 17q25.3.
Variant type: single nucleotide variant.
Coding change: c.637A>C on transcript NM_001614.5 (MANE Select); coding-DNA position 637, A replaced by C.
Protein change: p.Lys213Gln; replaces lysine 213 with glutamine.
Molecular consequence: missense variant. On other transcripts: non-coding transcript variant (1).
Genome position (GRCh38, 1-based): chr17:81,511,353, T>G on the plus strand (A>C on the coding strand, the complement: ACTG1 is on the minus strand). VCF-style: chr17-81511353-T-G. GRCh37 (hg19) VCF-style: chr17-79478379-T-G.
Other names: c.637A>C, p.Lys213Gln (NM_001199954.3); short protein forms K213Q.
Identifiers: ClinVar variation 392927 (VCV000392927.2), dbSNP rs1057524703, ClinGen allele CA16607875.

ClinVar aggregate classification (germline): Likely pathogenic (1 of 4 stars; one submission).

Submission:

GeneDx
Classification: Likely pathogenic. Last evaluated: 2017-02-07. Review status: criteria provided, single submitter. Criteria: GeneDx Variant Classification (06012015). Collection method: clinical testing. Allele origin: germline. Affected: yes.
Comment: The K213Q variant in the ACTG1 gene has not been reported previously as a pathogenic variant, nor as a benign variant, to our knowledge. The K213Q variant was not observed in approximately 6500 individuals of European and African American ancestry in the NHLBI Exome Sequencing Project, indicating it is not a common benign variant in these populations. The K213Q variant is a semi-conservative amino acid substitution, which may impact secondary protein structure as these residues differ in some properties. This substitution occurs at a position that is conserved across species and in silico analysis predicts this variant is probably damaging to the protein structure/function. Therefore, we interpret K213Q as a likely pathogenic variant.